The following is an entry in ClinVar:

NM_001291415.2(KDM6A):c.1813G>T (p.Val605Phe)

Gene: KDM6A (lysine demethylase 6A; plus strand). Cytogenetic location: Xp11.3.
Variant type: single nucleotide variant.
Coding change: c.1813G>T on transcript NM_001291415.2 (MANE Select); coding-DNA position 1813, G replaced by T.
Protein change: p.Val605Phe; replaces valine 605 with phenylalanine.
Molecular consequence: missense variant. On other transcripts: non-coding transcript variant (1).
Genome position (GRCh38, 1-based): chrX:45,063,551, G>T. VCF-style: chrX-45063551-G-T. GRCh37 (hg19) VCF-style: chrX-44922796-G-T.
Other names: c.1678G>T, p.Val560Phe (NM_001291416.2, NM_001419811.1); c.1522G>T, p.Val508Phe (NM_001291417.2); c.1420G>T, p.Val474Phe (NM_001291418.2, NM_001419815.1); c.769G>T, p.Val257Phe (NM_001291421.2); c.1555G>T, p.Val519Phe (NM_001410742.1, NM_001419814.1); c.1813G>T, p.Val605Phe (NM_001419809.1); c.1711G>T, p.Val571Phe (NM_001419810.1, NM_001419813.1); c.1657G>T, p.Val553Phe (NM_001419812.1, NM_021140.4); short protein forms V257F, V474F, V508F, V519F, V553F, V560F, V571F, V605F.
Identifiers: ClinVar variation 4809900 (VCV004809900.1).

ClinVar aggregate classification (germline): Uncertain significance (1 of 4 stars; one submission).

Conditions:
Kabuki syndrome 2 (KABUK2). Also called: KDM6A-Related Kabuki Syndrome. Identifiers: Orphanet 2322, MedGen C3275495, MONDO:0010465, OMIM 300867.

Submission:

Labcorp Genetics (formerly Invitae), Labcorp
Classification: Uncertain significance for Kabuki syndrome 2. Last evaluated: 2025-06-03. Review status: criteria provided, single submitter. Criteria: Invitae Variant Classification Sherloc (09022015). Collection method: clinical testing. Allele origin: germline.
Comment: This sequence change replaces valine, which is neutral and non-polar, with phenylalanine, which is neutral and non-polar, at codon 553 of the KDM6A protein (p.Val553Phe). This variant is not present in population databases (gnomAD no frequency). This variant has not been reported in the literature in individuals affected with KDM6A-related conditions. Invitae Evidence Modeling of protein sequence and biophysical properties (such as structural, functional, and spatial information, amino acid conservation, physicochemical variation, residue mobility, and thermodynamic stability) indicates that this missense variant is not expected to disrupt KDM6A protein function with a negative predictive value of 80%. In summary, the available evidence is currently insufficient to determine the role of this variant in disease. Therefore, it has been classified as a Variant of Uncertain Significance.